The following is an entry in ClinVar:

ClinVar aggregate classification (germline): Likely pathogenic (1 of 4 stars; one submission).

Submission:

Institute for Clinical Genetics, University Hospital TU Dresden, University Hospital TU Dresden
Classification: Likely pathogenic. Last evaluated: 2022-06-07. Review status: criteria provided, single submitter. Criteria: ACMG Guidelines, 2015. Collection method: clinical testing. Allele origin: germline.
Comment: PVS1, PM2_SUP

NM_001042424.3(NSD2):c.1879G>T (p.Glu627Ter)

Gene: NSD2 (nuclear receptor binding SET domain protein 2; plus strand). Cytogenetic location: 4p16.3.
Variant type: single nucleotide variant.
Coding change: c.1879G>T on transcript NM_001042424.3 (MANE Select); coding-DNA position 1879, G replaced by T.
Protein change: p.Glu627Ter; replaces glutamic acid 627 with a stop codon.
Molecular consequence: nonsense.
Genome position (GRCh38, 1-based): chr4:1,939,776, G>T. VCF-style: chr4-1939776-G-T. GRCh37 (hg19) VCF-style: chr4-1941503-G-T.
Other names: c.1879G>T, p.Glu627Ter (NM_007331.2, NM_133330.3, NM_133331.3 and 2 more transcripts); short protein forms E627*.
Identifiers: ClinVar variation 2575987 (VCV002575987.1), dbSNP rs2474512303, ClinGen allele CA355980433.